The following is an entry in ClinVar:

NM_024757.5(EHMT1):c.872G>A (p.Arg291Gln)

Gene: EHMT1 (euchromatic histone lysine methyltransferase 1; plus strand). Cytogenetic location: 9q34.3.
Variant type: single nucleotide variant.
Coding change: c.872G>A on transcript NM_024757.5 (MANE Select); coding-DNA position 872, G replaced by A.
Protein change: p.Arg291Gln; replaces arginine 291 with glutamine.
Molecular consequence: missense variant.
Genome position (GRCh38, 1-based): chr9:137,743,419, G>A. VCF-style: chr9-137743419-G-A. GRCh37 (hg19) VCF-style: chr9-140637871-G-A.
Other names: c.872G>A, p.Arg291Gln (NM_001145527.2, NM_001354611.2); c.779G>A, p.Arg260Gln (NM_001354259.2, NM_001354612.2); c.851G>A, p.Arg284Gln (NM_001354263.2); short protein forms R260Q, R284Q, R291Q.
Identifiers: ClinVar variation 1303340 (VCV001303340.3), dbSNP rs2136053069, ClinGen allele CA375777711.

ClinVar aggregate classification (germline): Uncertain significance. Review status: criteria provided, multiple submitters, no conflicts (2 of 4 stars). 2 submissions from 2 submitters: Uncertain significance (2). Last evaluated 2021-06-24.

Conditions:
Kleefstra syndrome 1 (KLEFS1). Identifiers: Orphanet 261494, MedGen C0795833, MONDO:0027407, OMIM 610253.

Allele frequency attached by ClinVar (database versions not stated): gnomAD exomes below 0.00001.
gnomAD v4.1: 1 of 1,611,366 alleles (0.000062%); highest among the groups gnomAD compares: Non-Finnish European, 0.000085%; no homozygotes.

Submissions (2):

University of Washington Department of Laboratory Medicine, University of Washington
Classification: Uncertain significance for Kleefstra syndrome 1. Last evaluated: 2021-06-24. Review status: criteria provided, single submitter. Criteria: ACMG Guidelines, 2015. Collection method: clinical testing. Allele origin: de novo. Affected: yes.
Comment: The p.Arg291Gln variant in the EHMT1 gene has been previously reported de novo in 1 individual with an atrioventricular septal defect (Priest 2016). The variant was absent from large population databases, including the Genome Aggregation Database. Using ACMG guidelines, this variant was classified as a variant of uncertain significance (ACMG evidence codes used: PS2_moderate, PM2_supporting).

GeneDx
Classification: Uncertain significance. Last evaluated: 2019-04-24. Review status: criteria provided, single submitter. Criteria: GeneDx Variant Classification Process June 2021. Collection method: clinical testing. Allele origin: germline. Affected: yes.
Comment: Reported using alternate nomenclature p.R260Q as de novo in a patient with an atrioventricular septal heart defect, however, this individual did not have any other EHTM1-related features (Priest et al., 2016); Not observed in large population cohorts (Lek et al., 2016); In silico analysis, which includes protein predictors and evolutionary conservation, supports that this variant does not alter protein structure/function; This variant is associated with the following publications: (PMID: 27058611)